The following is an entry in ClinVar:

ClinVar aggregate classification (germline): Uncertain significance (1 of 4 stars; one submission).

Conditions:
Charcot-Marie-Tooth disease, type I (CMT1). Also called: Charcot-Marie-Tooth disease type 1; Charcot-Marie-Tooth, Type 1. Identifiers: Orphanet 65753, MedGen C0751036, MONDO:0019011.

Submission:

Labcorp Genetics (formerly Invitae), Labcorp
Classification: Uncertain significance for Charcot-Marie-Tooth disease, type I. Last evaluated: 2019-06-05. Review status: criteria provided, single submitter. Criteria: Invitae Variant Classification Sherloc (09022015). Collection method: clinical testing. Allele origin: germline.
Comment: In summary, the available evidence is currently insufficient to determine the role of this variant in disease. Therefore, it has been classified as a Variant of Uncertain Significance. Different missense substitutions at this codon (p.Ser54Cys, p.Ser54Pro) has been reported in affected individuals, but the clinical significance of these variants is uncertain (PMID: 10093067, 25025039, 10533074). Algorithms developed to predict the effect of missense changes on protein structure and function (SIFT, PolyPhen-2, Align-GVGD) all suggest that this variant is likely to be disruptive, but these predictions have not been confirmed by published functional studies and their clinical significance is uncertain. This variant has not been reported in the literature in individuals with MPZ-related disease. This variant is not present in population databases (ExAC no frequency). This sequence change replaces serine with alanine at codon 54 of the MPZ protein (p.Ser54Ala). The serine residue is highly conserved and there is a moderate physicochemical difference between serine and alanine.

Literature cited by the submitters: PubMed 10093067; PubMed 25025039; PubMed 10533074.

NM_000530.8(MPZ):c.160T>G (p.Ser54Ala)

Gene: MPZ (myelin protein zero; minus strand). Cytogenetic location: 1q23.3.
Variant type: single nucleotide variant.
Coding change: c.160T>G on transcript NM_000530.8 (MANE Select); coding-DNA position 160, T replaced by G.
Protein change: p.Ser54Ala; replaces serine 54 with alanine.
Molecular consequence: missense variant.
Genome position (GRCh38, 1-based): chr1:161,307,332, A>C on the plus strand (T>G on the coding strand, the complement: MPZ is on the minus strand). VCF-style: chr1-161307332-A-C. GRCh37 (hg19) VCF-style: chr1-161277122-A-C.
Other names: c.160T>G (LRG_256t1); c.160T>G, p.Ser54Ala (NM_001315491.2); short protein forms S54A.
Identifiers: ClinVar variation 531687 (VCV000531687.10), dbSNP rs1553259785, ClinGen allele CA343351067.